The following is an entry in ClinVar:

ClinVar aggregate classification (germline): Uncertain significance (1 of 4 stars; one submission).

Conditions:
Atrial fibrillation, familial, 18 (ATFB18). Identifiers: MedGen C4310636, MONDO:0015001, OMIM 617280.

Allele frequency attached by ClinVar (database versions not stated): gnomAD 0.00001; TOPMed 0.00001.

Submission:

Labcorp Genetics (formerly Invitae), Labcorp
Classification: Uncertain significance for Atrial fibrillation, familial, 18. Last evaluated: 2024-12-17. Review status: criteria provided, single submitter. Criteria: Invitae Variant Classification Sherloc (09022015). Collection method: clinical testing. Allele origin: germline.
Comment: This sequence change replaces arginine, which is basic and polar, with cysteine, which is neutral and slightly polar, at codon 96 of the MYL4 protein (p.Arg96Cys). This variant is not present in population databases (gnomAD no frequency). This variant has not been reported in the literature in individuals affected with MYL4-related conditions. ClinVar contains an entry for this variant (Variation ID: 956038). An algorithm developed to predict the effect of missense changes on protein structure and function (PolyPhen-2) suggests that this variant is likely to be disruptive. In summary, the available evidence is currently insufficient to determine the role of this variant in disease. Therefore, it has been classified as a Variant of Uncertain Significance.

NM_002476.2(MYL4):c.286C>T (p.Arg96Cys)

Gene: MYL4 (myosin light chain 4; plus strand). Cytogenetic location: 17q21.32.
Variant type: single nucleotide variant.
Coding change: c.286C>T on transcript NM_002476.2 (MANE Select); coding-DNA position 286, C replaced by T.
Protein change: p.Arg96Cys; replaces arginine 96 with cysteine.
Molecular consequence: missense variant.
Genome position (GRCh38, 1-based): chr17:47,220,026, C>T. VCF-style: chr17-47220026-C-T. GRCh37 (hg19) VCF-style: chr17-45297392-C-T.
Other names: c.286C>T, p.Arg96Cys (NM_001002841.2); short protein forms R96C.
Identifiers: ClinVar variation 956038 (VCV000956038.9), dbSNP rs1316011140, ClinGen allele CA400021287.